The following is an entry in ClinVar:

ClinVar aggregate classification (germline): Pathogenic (1 of 4 stars; one submission).

Conditions:
Epilepsy, childhood absence, susceptibility to, 1. Also called: Epilepsy, childhood absence 1. Identifiers: Orphanet 64280, MedGen C1838604, MONDO:0020759, OMIM 600131.
Epilepsy, childhood absence, susceptibility to, 5. Identifiers: Orphanet 64280, MedGen C2677087, MONDO:0012843, OMIM 612269.

Submission:

Labcorp Genetics (formerly Invitae), Labcorp
Classification: Pathogenic for Epilepsy, childhood absence 5; Epilepsy, childhood absence 1. Last evaluated: 2019-11-11. Review status: criteria provided, single submitter. Criteria: Invitae Variant Classification Sherloc (09022015). Collection method: clinical testing. Allele origin: germline.
Comment: A gross deletion of the genomic region encompassing the full coding sequence of the GABRB3 gene has been identified. The boundaries of this event are unknown as the deletion extends beyond the assayed region for this gene and therefore may encompass additional genes. Gross deletions of the GABRB3 gene have been previously described in individuals affected with Angelman syndrome (PMID: 11198279). In each of these cases, however, the deletion event also spanned the entire coding sequence of the UBE3A gene. ClinVar contains an entry for a similar variant (Variation ID: 238187). Loss-of-function variants in GABRB3 are known to be pathogenic (PMID: 26950270, 28053010). For these reasons, this variant has been classified as Pathogenic.

Literature cited by the submitters: PubMed 11198279.

NC_000015.10:g.(?_26547773)_(26775295_?)del

Genes: GABRB3 (gamma-aminobutyric acid type A receptor subunit beta3; minus strand), LOC126862078 (BRD4-independent group 4 enhancer GRCh37_chr15:26860170-26861369; plus strand). Cytogenetic location: 15q12.
Variant type: Deletion.
Identifiers: ClinVar variation 469568 (VCV000469568.3).